The following is an entry in ClinVar:

ClinVar aggregate classification (germline): Pathogenic (1 of 4 stars; one submission).

Conditions:
Jeune thoracic dystrophy. Also called: Jeune syndrome; Infantile thoracic dystrophy; Thoracic pelvic phalangeal dystrophy; Jeune's syndrome; Chondroectodermal dysplasia-like syndrome; Short-rib thoracic dysplasia. Identifiers: Orphanet 474, MedGen C0265275, MONDO:0018770.

Submission:

Labcorp Genetics (formerly Invitae), Labcorp
Classification: Pathogenic for Jeune thoracic dystrophy. Last evaluated: 2021-01-25. Review status: criteria provided, single submitter. Criteria: Invitae Variant Classification Sherloc (09022015). Collection method: clinical testing. Allele origin: germline.
Comment: This variant is not present in population databases (ExAC no frequency). For these reasons, this variant has been classified as Pathogenic. Algorithms developed to predict the effect of sequence changes on RNA splicing suggest that this variant may create or strengthen a splice site, but this prediction has not been confirmed by published transcriptional studies. This variant has not been reported in the literature in individuals with DYNC2H1-related conditions. This sequence change creates a premature translational stop signal (p.Gln714*) in the DYNC2H1 gene. It is expected to result in an absent or disrupted protein product. Loss-of-function variants in DYNC2H1 are known to be pathogenic (PMID: 23339108, 32753734).

Literature cited by the submitters: PubMed 23339108; PubMed 32753734.

NM_001377.3(DYNC2H1):c.2140C>T (p.Gln714Ter)

Gene: DYNC2H1 (dynein cytoplasmic 2 heavy chain 1; plus strand). Cytogenetic location: 11q22.3.
Variant type: single nucleotide variant.
Coding change: c.2140C>T on transcript NM_001377.3 (MANE Select); coding-DNA position 2140, C replaced by T.
Protein change: p.Gln714Ter; replaces glutamine 714 with a stop codon.
Molecular consequence: nonsense.
Genome position (GRCh38, 1-based): chr11:103,134,354, C>T. VCF-style: chr11-103134354-C-T. GRCh37 (hg19) VCF-style: chr11-103005083-C-T.
Other names: c.2140C>T, p.Gln714Ter (NM_001080463.2); short protein forms Q714*.
Identifiers: ClinVar variation 1373072 (VCV001373072.6), dbSNP rs2134773913, ClinGen allele CA382258672.